The following is an entry in ClinVar:

ClinVar aggregate classification (germline): Uncertain significance. Review status: criteria provided, multiple submitters, no conflicts (2 of 4 stars). 2 submissions from 2 submitters: Uncertain significance (2). Last evaluated 2022-10-26.

Submissions (2):

Blueprint Genetics
Classification: Uncertain significance. Last evaluated: 2022-10-26. Review status: criteria provided, single submitter. Criteria: ACMG Guidelines, 2015. Collection method: clinical testing. Allele origin: germline.

Labcorp Genetics (formerly Invitae), Labcorp
Classification: Uncertain significance. Last evaluated: 2022-09-01. Review status: criteria provided, single submitter. Criteria: Invitae Variant Classification Sherloc (09022015). Collection method: clinical testing. Allele origin: germline.
Comment: This sequence change replaces phenylalanine, which is neutral and non-polar, with valine, which is neutral and non-polar, at codon 951 of the SLC24A1 protein (p.Phe951Val). This variant is not present in population databases (gnomAD no frequency). This variant has not been reported in the literature in individuals affected with SLC24A1-related conditions. Algorithms developed to predict the effect of missense changes on protein structure and function are either unavailable or do not agree on the potential impact of this missense change (SIFT: "Deleterious"; PolyPhen-2: "Probably Damaging"; Align-GVGD: "Class C0"). In summary, the available evidence is currently insufficient to determine the role of this variant in disease. Therefore, it has been classified as a Variant of Uncertain Significance.

NM_004727.3(SLC24A1):c.2851T>G (p.Phe951Val)

Gene: SLC24A1 (solute carrier family 24 member 1; plus strand). Cytogenetic location: 15q22.31.
Variant type: single nucleotide variant.
Coding change: c.2851T>G on transcript NM_004727.3 (MANE Select); coding-DNA position 2851, T replaced by G.
Protein change: p.Phe951Val; replaces phenylalanine 951 with valine.
Molecular consequence: missense variant. On other transcripts: intron variant (1).
Genome position (GRCh38, 1-based): chr15:65,651,727, T>G. VCF-style: chr15-65651727-T-G. GRCh37 (hg19) VCF-style: chr15-65944065-T-G.
Other names: c.832T>G, p.Phe278Val (NM_001254740.2); c.2797T>G, p.Phe933Val (NM_001301032.1, NM_001301033.2); c.2509T>G, p.Phe837Val (NM_001411142.1); c.2793+785T>G (NM_001301031.1); short protein forms F278V, F837V, F933V, F951V.
Identifiers: ClinVar variation 1962166 (VCV001962166.5), dbSNP rs2548430255, ClinGen allele CA392901422.